The following is an entry in ClinVar:

ClinVar aggregate classification (germline): Benign (1 of 4 stars; one submission).

Allele frequency attached by ClinVar (database versions not stated): ExAC 0.00106; ESP Exome Variant Server 0.00279; gnomAD 0.00311; 1000 Genomes Project 0.00319; 1000 Genomes Project 30x 0.00344; TOPMed 0.00365.

Submission:

CeGaT Center for Human Genetics Tuebingen
Classification: Benign. Last evaluated: 2023-02-01. Review status: criteria provided, single submitter. Criteria: CeGaT Center For Human Genetics Tuebingen Variant Classification Criteria Version 2. Collection method: clinical testing. Allele origin: germline. Affected: yes. Observed: 1 variant allele.
Comment: AHNAK2: BP4, BS1, BS2

NM_138420.4(AHNAK2):c.15764C>G (p.Ala5255Gly)

Gene: AHNAK2 (AHNAK nucleoprotein 2; minus strand). Cytogenetic location: 14q32.33.
Variant type: single nucleotide variant.
Coding change: c.15764C>G on transcript NM_138420.4 (MANE Select); coding-DNA position 15764, C replaced by G.
Protein change: p.Ala5255Gly; replaces alanine 5255 with glycine.
Molecular consequence: missense variant.
Genome position (GRCh38, 1-based): chr14:104,939,687, G>C on the plus strand (C>G on the coding strand, the complement: AHNAK2 is on the minus strand). VCF-style: chr14-104939687-G-C. GRCh37 (hg19) VCF-style: chr14-105406024-G-C.
Other names: c.15464C>G, p.Ala5155Gly (NM_001350929.2); short protein forms A5155G, A5255G.
Identifiers: ClinVar variation 2644633 (VCV002644633.24), dbSNP rs56898675, ClinGen allele CA7377415.
Genomic context (GRCh38, chr14:104,939,687, plus strand): 5'-CTGTCAAGATCACACCTTAGAATATCTGTGGATGATTTGCTCTCAGAAGCTGTCACTTCT[G>C]CATCTGCCTCTGGGAGCTGTAGGGACATAGCTGCCTCCACGTTTGACCCAGAAACAAGGA-3'
Protein context (NP_612429.2, residues 5245-5265): AMSLQLPEAD[Ala5255Gly]EVTASESKSS